The following is an entry in ClinVar:

ClinVar aggregate classification (germline): Likely benign (1 of 4 stars; one submission).

Conditions:
Hypercholanemia, familial 1 (FHCA1). Identifiers: Orphanet 238475, MedGen C5542604, MONDO:0031446, OMIM 607748.

Allele frequency attached by ClinVar (database versions not stated): gnomAD 0.00007 and 0.00011; TOPMed 0.00016; 1000 Genomes Project 0.00060; 1000 Genomes Project 30x 0.00062.

Submission:

Illumina Laboratory Services, Illumina
Classification: Likely benign for Hypercholanemia, familial 1. Last evaluated: 2018-01-12. Review status: criteria provided, single submitter. Criteria: ICSL Variant Classification Criteria 13 December 2019. Collection method: clinical testing. Allele origin: germline.
Comment: This variant was observed in the ICSL laboratory as part of a predisposition screen in an ostensibly healthy population. It had not been previously curated by ICSL or reported in the Human Gene Mutation Database (HGMD: prior to June 1st, 2018), and was therefore a candidate for classification through an automated scoring system. Utilizing variant allele frequency, disease prevalence and penetrance estimates, and inheritance mode, an automated score was calculated to assess if this variant is too frequent to cause the disease. Based on the score and internal cut-off values, a variant classified as likely benign is not then subjected to further curation. The score for this variant resulted in a classification of likely benign for this disease.

NM_001701.4(BAAT):c.*624T>C

Gene: BAAT (bile acid-CoA:amino acid N-acyltransferase; minus strand). Cytogenetic location: 9q31.1.
Variant type: single nucleotide variant.
Coding change: c.*624T>C on transcript NM_001701.4 (MANE Select); 624 bases downstream of the stop codon, T replaced by C.
Molecular consequence: 3 prime UTR variant.
Genome position (GRCh38, 1-based): chr9:101,361,804, A>G on the plus strand (T>C on the coding strand, the complement: BAAT is on the minus strand). VCF-style: chr9-101361804-A-G. GRCh37 (hg19) VCF-style: chr9-104124086-A-G.
Other names: c.*624T>C (NM_001127610.2, NM_001374715.1).
Identifiers: ClinVar variation 912353 (VCV000912353.4), dbSNP rs139963547, ClinGen allele CA196948253.